The following is an entry in ClinVar:

ClinVar aggregate classification (germline): other (0 of 4 stars; one submission).

Conditions:
Familial colorectal cancer. Identifiers: MedGen CN280943, MONDO:0023113. Disease mechanism: loss of function.

Submission:

Systems Biology Platform Zhejiang California International NanoSystems Institute
Classification: other for Familial colorectal cancer. Review status: no assertion criteria provided. Collection method: not provided. Allele origin: unknown.
ClinVar note: Converted during submission from cancer to other.

NM_000038.6(APC):c.423-2365T>C

Gene: APC (APC regulator of WNT signaling pathway; plus strand). Cytogenetic location: 5q22.2.
Variant type: single nucleotide variant.
Coding change: c.423-2365T>C on transcript NM_000038.6 (MANE Select); 2365 bases into the intron before coding-DNA position 423, T replaced by C.
Molecular consequence: intron variant.
Genome position (GRCh38, 1-based): chr5:112,773,264, T>C. VCF-style: chr5-112773264-T-C. GRCh37 (hg19) VCF-style: chr5-112108961-T-C.
Other names: c.423-2365T>C (NM_001354895.2, NM_001127510.3, NM_001354896.2 and 2 more transcripts); c.453-2365T>C (NM_001354897.2, NM_001354902.2, NM_001127511.3); c.348-2365T>C (NM_001354898.2, NM_001354904.2); c.-613-2365T>C (NM_001354906.2); c.246-2365T>C (NM_001354900.2, NM_001354901.2, NM_001354905.2).
Identifiers: ClinVar variation 82898 (VCV000082898.2), dbSNP rs80351787, ClinGen allele CA009212.